The following is an entry in ClinVar:

NM_001162501.2(TNRC6B):c.3092C>T (p.Ser1031Phe)

Gene: TNRC6B (trinucleotide repeat containing adaptor 6B; plus strand). Cytogenetic location: 22q13.1.
Variant type: single nucleotide variant.
Coding change: c.3092C>T on transcript NM_001162501.2 (MANE Select); coding-DNA position 3092, C replaced by T.
Protein change: p.Ser1031Phe; replaces serine 1031 with phenylalanine.
Molecular consequence: missense variant.
Genome position (GRCh38, 1-based): chr22:40,273,551, C>T. VCF-style: chr22-40273551-C-T. GRCh37 (hg19) VCF-style: chr22-40669555-C-T.
Other names: c.851C>T, p.Ser284Phe (NM_001024843.2); c.2933C>T, p.Ser978Phe (NM_015088.3); short protein forms S1031F, S284F, S978F.
Identifiers: ClinVar variation 4088021 (VCV004088021.1).

ClinVar aggregate classification (germline): Uncertain significance (1 of 4 stars; one submission).

Submission:

GeneDx
Classification: Uncertain significance. Last evaluated: 2025-03-27. Review status: criteria provided, single submitter. Criteria: GeneDx Variant Classification Process June 2021. Collection method: clinical testing. Allele origin: germline. Affected: yes.
Comment: Not observed at significant frequency in large population cohorts (gnomAD); In silico analysis supports that this missense variant has a deleterious effect on protein structure/function; Has not been previously published as pathogenic or benign to our knowledge